The following is an entry in ClinVar:

ClinVar aggregate classification (germline): Uncertain significance (1 of 4 stars; one submission).

gnomAD v4.1: 1 of 1,207,067 alleles (0.000083%); highest among the groups gnomAD compares: Non-Finnish European, 0.00011%; no homozygotes.

Submission:

GeneDx
Classification: Uncertain significance. Last evaluated: 2024-11-11. Review status: criteria provided, single submitter. Criteria: GeneDx Variant Classification Process June 2021. Collection method: clinical testing. Allele origin: germline. Affected: yes.
Comment: Not observed at significant frequency in large population cohorts (gnomAD); In silico analysis supports that this missense variant has a deleterious effect on protein structure/function; Has not been previously published as pathogenic or benign to our knowledge

NM_004586.3(RPS6KA3):c.1709C>T (p.Ala570Val)

Gene: RPS6KA3 (ribosomal protein S6 kinase A3; minus strand). Cytogenetic location: Xp22.12.
Variant type: single nucleotide variant.
Coding change: c.1709C>T on transcript NM_004586.3 (MANE Select); coding-DNA position 1709, C replaced by T.
Protein change: p.Ala570Val; replaces alanine 570 with valine.
Molecular consequence: missense variant.
Genome position (GRCh38, 1-based): chrX:20,164,954, G>A on the plus strand (C>T on the coding strand, the complement: RPS6KA3 is on the minus strand). VCF-style: chrX-20164954-G-A. GRCh37 (hg19) VCF-style: chrX-20183072-G-A.
Other names: short protein forms A570V.
Identifiers: ClinVar variation 3898786 (VCV003898786.1).
Genomic context (GRCh38, chrX:20,164,954, plus strand): 5'-ATTACCTCTGGTGCAACAAAATTTGCAGTGTAACAAGGAGTCATGAGAAGACCATTTTCC[G>A]CTCTCAGCTGTTTTGCAAAGCCAAAATCACAAATTCGAATAGATTCCGGATTACCAGATT-3'
Protein context (NP_004577.1, residues 560-580): CDFGFAKQLR[Ala570Val]ENGLLMTPCY